The following is an entry in ClinVar:

NM_005732.4(RAD50):c.2597CAA[1] (p.Thr867del)

Gene: RAD50 (RAD50 double strand break repair protein; plus strand). Cytogenetic location: 5q31.1.
Variant type: Microsatellite.
Coding change: c.2597CAA[1] on transcript NM_005732.4 (MANE Select); one copy of the 3-base unit CAA starting at c.2597; the reference has two copies in a row; one copy, 3 bases deleted; also written c.2600_2602del.
Protein change: p.Thr867del; deletes threonine 867.
Molecular consequence: inframe deletion.
Genome position (GRCh38, 1-based): chr5:132,604,881-132,604,883, CAA deleted; deleting any 3 consecutive bases within chr5:132,604,877-132,604,883 gives the same sequence; the position shown is the placement nearest the transcript's 3' end. VCF-style (leftmost placement, unchanged base first): chr5-132604876-TACA-T. GRCh37 (hg19) VCF-style: chr5-131940568-TACA-T.
Other names: c.2600_2602del (NM_005732.4); c.2600_2602delCAA (NM_005732.3); short protein forms T867del.
Identifiers: ClinVar variation 854951 (VCV000854951.12), dbSNP rs766427240, ClinGen allele CA3405431.

ClinVar aggregate classification (germline): Uncertain significance. Review status: criteria provided, multiple submitters, no conflicts (2 of 4 stars). 3 submissions from 3 submitters: Uncertain significance (3). Last evaluated 2025-08-10.

Conditions:
Hereditary cancer-predisposing syndrome. Also called: Hereditary Cancer Syndrome; Tumor predisposition; Neoplastic Syndromes, Hereditary; Hereditary neoplastic syndrome. Identifiers: Orphanet 140162, MedGen C0027672, MeSH D009386, MONDO:0015356.
Nijmegen breakage syndrome-like disorder (NBSLD). Also called: MICROCEPHALY AND SPONTANEOUS CHROMOSOME INSTABILITY WITHOUT IMMUNODEFICIENCY; NBS-LIKE DISORDER; RAD50 DEFICIENCY. Identifiers: Orphanet 240760, MedGen C2751318, MONDO:0013118, OMIM 613078.

Submissions (3):

Labcorp Genetics (formerly Invitae), Labcorp
Classification: Uncertain significance for Hereditary cancer-predisposing syndrome. Last evaluated: 2025-08-10. Review status: criteria provided, single submitter. Criteria: Invitae Variant Classification Sherloc (09022015). Collection method: clinical testing. Allele origin: germline.
Comment: This variant, c.2600_2602del, results in the deletion of 1 amino acid(s) of the RAD50 protein (p.Thr867del), but otherwise preserves the integrity of the reading frame. This variant is present in population databases (rs766427240, gnomAD 0.006%). This variant has not been reported in the literature in individuals affected with RAD50-related conditions. ClinVar contains an entry for this variant (Variation ID: 854951). Experimental studies and prediction algorithms are not available or were not evaluated, and the functional significance of this variant is currently unknown. In summary, the available evidence is currently insufficient to determine the role of this variant in disease. Therefore, it has been classified as a Variant of Uncertain Significance.

Ambry Genetics
Classification: Uncertain significance for Hereditary cancer-predisposing syndrome. Last evaluated: 2021-10-07. Review status: criteria provided, single submitter. Criteria: Ambry Variant Classification Scheme 2023. Collection method: clinical testing. Allele origin: germline.
Comment: The c.2600_2602delCAA variant (also known as p.T867del) is located in coding exon 16 of the RAD50 gene. This variant results from an in-frame CAA deletion at nucleotide positions 2600 to 2602. This results in the in-frame deletion of a threonine at codon 867. This amino acid position is not well conserved in available vertebrate species. In addition, this alteration is predicted to be deleterious by in silico analysis (Choi Y et al. PLoS ONE. 2012; 7(10):e46688). Since supporting evidence is limited at this time, the clinical significance of this alteration remains unclear.

Juno Genomics, Hangzhou Juno Genomics, Inc
Classification: Uncertain significance for Nijmegen breakage syndrome-like disorder. Review status: criteria provided, single submitter. Criteria: ACMG Guidelines, 2015. Collection method: clinical testing. Allele origin: germline.
Comment: Protein length changes due to in-frame deletions/insertions in a non-repeat region or stop-loss variants.;Absent from controls (or at extremely low frequency if recessive) in Genome Aggregation Database.